The following is an entry in ClinVar:

ClinVar aggregate classification (germline): Conflicting classifications of pathogenicity. Review status: criteria provided, conflicting classifications (1 of 4 stars). 3 submissions from 3 submitters: Uncertain significance (2); Likely benign (1). Last evaluated 2026-09-21.

Conditions:
Cardiomyopathy (CMYO). Also called: Cardiomyopathies. Identifiers: Orphanet 167848, MedGen C0878544, MONDO:0004994, HP:0001638. Inheritance: Various modes of inheritance.

Allele frequency attached by ClinVar (database versions not stated): gnomAD exomes below 0.00001.
gnomAD v4.1: 5 of 1,613,820 alleles (0.00031%); highest among the groups gnomAD compares: Non-Finnish European, 0.00042%; no homozygotes.

Submissions (3):

Molecular Diagnostic Laboratory for Inherited Cardiovascular Disease, Montreal Heart Institute
Classification: Likely benign. Last evaluated: 2026-09-21. Review status: criteria provided, single submitter. Criteria: ACMG Guidelines, 2015. Collection method: clinical testing. Allele origin: germline. Affected: no.
Comment: BP1

GeneDx
Classification: Uncertain significance. Last evaluated: 2019-05-21. Review status: criteria provided, single submitter. Criteria: GeneDx Variant Classification Process June 2021. Collection method: clinical testing. Allele origin: germline. Affected: yes.

CHEO Genetics Diagnostic Laboratory, Children's Hospital of Eastern Ontario
Classification: Uncertain significance for Cardiomyopathy. Last evaluated: 2016-10-19. Review status: criteria provided, single submitter. Criteria: ACMG Guidelines, 2015. Collection method: clinical testing. Allele origin: germline. Study: Canadian Open Genetics Repository.

NM_001267550.2(TTN):c.84860A>T (p.Tyr28287Phe)

Genes: TTN (titin; minus strand), TTN-AS1 (TTN antisense RNA 1; plus strand). Cytogenetic location: 2q31.2.
Variant type: single nucleotide variant.
Coding change: c.84860A>T on transcript NM_001267550.2 (MANE Select); coding-DNA position 84860, A replaced by T.
Protein change: p.Tyr28287Phe; replaces tyrosine 28287 with phenylalanine.
Molecular consequence: missense variant.
Genome position (GRCh38, 1-based): chr2:178,561,272, T>A on the plus strand (A>T on the coding strand, the complement: TTN is on the minus strand). VCF-style: chr2-178561272-T-A. GRCh37 (hg19) VCF-style: chr2-179425999-T-A.
Other names: c.79937A>T, p.Tyr26646Phe (NM_001256850.1); c.57665A>T, p.Tyr19222Phe (NM_003319.4); c.77156A>T, p.Tyr25719Phe (NM_133378.4); c.58040A>T, p.Tyr19347Phe (NM_133432.3); c.58241A>T, p.Tyr19414Phe (NM_133437.4); short protein forms Y26646F, Y28287F, Y19222F, Y19347F, Y25719F, Y19414F.
Identifiers: ClinVar variation 626652 (VCV000626652.5), dbSNP rs1559296734, ClinGen allele CA349557754.